The following is an entry in ClinVar:

NM_000268.4(NF2):c.675+49T>C

Gene: NF2 (NF2, moesin-ezrin-radixin like (MERLIN) tumor suppressor; plus strand). Cytogenetic location: 22q12.2.
Variant type: single nucleotide variant.
Coding change: c.675+49T>C on transcript NM_000268.4 (MANE Select); 49 bases into the intron after coding-DNA position 675, T replaced by C.
Molecular consequence: intron variant.
Genome position (GRCh38, 1-based): chr22:29,658,313, T>C. VCF-style: chr22-29658313-T-C. GRCh37 (hg19) VCF-style: chr22-30054302-T-C.
Other names: c.675+49T>C (NM_016418.5, NM_181832.3, NM_181825.3); c.447+16028T>C (NM_181833.3); c.552+49T>C (NM_181829.3); c.549+49T>C (NM_181828.3); c.426+49T>C (NM_181830.3, NM_181831.3).
Identifiers: ClinVar variation 679665 (VCV000679665.1), dbSNP rs148076331, ClinGen allele CA034676.

ClinVar aggregate classification (germline): Likely benign (1 of 4 stars; one submission).

Allele frequency attached by ClinVar (database versions not stated): ESP Exome Variant Server 0.00015; gnomAD 0.00098 and 0.00156; TOPMed 0.00143; ExAC 0.00249; gnomAD exomes 0.00291; 1000 Genomes Project 30x 0.00843; 1000 Genomes Project 0.00958.
gnomAD v4.1: 1,518 of 1,499,272 alleles (0.1%); highest among the groups gnomAD compares: East Asian, 2.7%; 19 homozygotes.

Submission:

GeneDx
Classification: Likely benign. Last evaluated: 2018-06-16. Review status: criteria provided, single submitter. Criteria: GeneDx Variant Classification (06012015). Collection method: clinical testing. Allele origin: germline. Affected: yes.
Comment: This variant is considered likely benign or benign based on one or more of the following criteria: it is a conservative change, it occurs at a poorly conserved position in the protein, it is predicted to be benign by multiple in silico algorithms, and/or has population frequency not consistent with disease.